The following is an entry in ClinVar:

NC_000011.9:g.(?_34969033)_(34969173_?)dup

Gene: PDHX (pyruvate dehydrogenase complex component X; plus strand). Cytogenetic location: 11p13.
Variant type: Duplication.
Identifiers: ClinVar variation 1509161 (VCV001509161.4).

ClinVar aggregate classification (germline): Likely pathogenic (1 of 4 stars; one submission).

Submission:

Labcorp Genetics (formerly Invitae), Labcorp
Classification: Likely pathogenic. Last evaluated: 2021-06-01. Review status: criteria provided, single submitter. Criteria: Invitae Variant Classification Sherloc (09022015). Collection method: clinical testing. Allele origin: germline.
Comment: In summary, the currently available evidence indicates that the variant is pathogenic, but additional data are needed to prove that conclusively. Therefore, this variant has been classified as Likely Pathogenic. This variant has not been reported in the literature in individuals with PDHX-related conditions. This variant results in a copy number gain of the genomic region encompassing exon(s) 3 of the PDHX gene. While the exact position of this variant cannot be determined from the data, sub-genic copy number gains are generally in tandem (PMID: 25640679). This variant is predicted to be out-of-frame, and may result in an absent or disrupted protein product. Loss-of-function variants in PDHX are known to be pathogenic (PMID: 16904023, 21914562).

Literature cited by the submitters: PubMed 25640679; PubMed 16904023; PubMed 21914562.